The following is an entry in ClinVar:

ClinVar aggregate classification (germline): Likely benign (0 of 4 stars; one submission).

Conditions:
CLASP2-related disorder. Also called: CLASP2-related condition.

gnomAD v4.1: 16 of 1,608,048 alleles (0.00099%); highest among the groups gnomAD compares: East Asian, 0.031%; no homozygotes.

Submission:

PreventionGenetics, part of Exact Sciences
Classification: Likely benign for CLASP2-related condition. Last evaluated: 2019-09-19. Review status: no assertion criteria provided. Collection method: clinical testing. Allele origin: germline.
Comment: This variant is classified as likely benign based on ACMG/AMP sequence variant interpretation guidelines (Richards et al. 2015 PMID: 25741868, with internal and published modifications).

NM_001365631.1(CLASP2):c.1694+8C>T

Gene: CLASP2 (cytoplasmic linker associated protein 2; minus strand). Cytogenetic location: 3p22.3.
Variant type: single nucleotide variant.
Coding change: c.1694+8C>T on transcript NM_001365631.1 (MANE Select); 8 bases into the intron after coding-DNA position 1694, C replaced by T.
Molecular consequence: intron variant.
Genome position (GRCh38, 1-based): chr3:33,606,583, G>A on the plus strand (C>T on the coding strand, the complement: CLASP2 is on the minus strand). VCF-style: chr3-33606583-G-A. GRCh37 (hg19) VCF-style: chr3-33648075-G-A.
Other names: c.1397+8C>T (NM_001375713.1); c.1694+8C>T (NM_001400406.1, NM_001375705.1, NM_001365634.1 and 7 more transcripts); c.1697+8C>T (NM_001375703.1, NM_001365633.1, NM_001400405.1 and 3 more transcripts); c.995+8C>T (NM_001400417.1, NM_001400437.1, NM_001400433.1 and 13 more transcripts); c.998+8C>T (NM_001400436.1, NM_001400434.1, NM_001400431.1 and 2 more transcripts); c.1013+8C>T (NM_001375718.1, NM_001400430.1, NM_001400419.1 and 5 more transcripts); c.1016+8C>T (NM_001375716.1, NM_001400429.1, NM_001400418.1 and 3 more transcripts).
Identifiers: ClinVar variation 3355567 (VCV003355567.1).